The following is an entry in ClinVar:

NM_000377.3(WAS):c.1330C>G (p.Leu444Val)

Gene: WAS (WASP actin nucleation promoting factor; plus strand). Cytogenetic location: Xp11.23.
Variant type: single nucleotide variant.
Coding change: c.1330C>G on transcript NM_000377.3 (MANE Select); coding-DNA position 1330, C replaced by G.
Protein change: p.Leu444Val; replaces leucine 444 with valine.
Molecular consequence: missense variant.
Genome position (GRCh38, 1-based): chrX:48,689,058, C>G. VCF-style: chrX-48689058-C-G. GRCh37 (hg19) VCF-style: chrX-48547447-C-G.
Other names: NC_000023.10:g.48547447C>G; c.1174C>G, p.Leu392Val (NM_001438876.1, NM_001438878.1); c.1330C>G, p.Leu444Val (NM_001438877.1, NM_001438879.1); short protein forms L392V, L444V.
Identifiers: ClinVar variation 4491241 (VCV004491241.2).

ClinVar aggregate classification (germline): Uncertain significance (1 of 4 stars; one submission).

Submissions (2):

GeneDx
Classification: Uncertain significance. Last evaluated: 2025-07-15. Review status: criteria provided, single submitter. Criteria: GeneDx Variant Classification Process June 2021. Collection method: clinical testing. Allele origin: germline. Affected: yes.
Comment: Not observed at significant frequency in large population cohorts (gnomAD); In silico analysis suggests that this missense variant does not alter protein structure/function; Has not been previously published as pathogenic or benign to our knowledge; In silico analysis suggests this variant may impact gene splicing. In the absence of RNA/functional studies, the actual effect of this sequence change is unknown.

Dr. Peter K. Rogan Lab, Western University
No classification provided (evidence only). Condition: Melanoma. Review status: no classification provided. Collection method: in vitro. Allele origin: not applicable. Functional consequence: skipped exon, retained intron. Not counted in ClinVar's aggregate classification.